The following is an entry in ClinVar:

ClinVar aggregate classification (germline): Uncertain significance. Review status: criteria provided, multiple submitters, no conflicts (2 of 4 stars). 6 submissions from 6 submitters: Uncertain significance (6). Last evaluated 2025-07-27.

Conditions:
Cardiovascular phenotype. Identifiers: MedGen CN230736.
Atrial septal defect 5 (ASD5). Identifiers: Orphanet 1478, MedGen C2748552, MONDO:0013011, OMIM 612794.
Dilated cardiomyopathy 1R (CMD1R). Identifiers: Orphanet 154, Orphanet 54260, MedGen C3150681, MONDO:0013261, OMIM 613424.
Hypertrophic cardiomyopathy 11. Also called: ACTC1-Related Familial Hypertrophic Cardiomyopathy. Identifiers: MedGen C2677506, MONDO:0012799, OMIM 612098.
Cardiomyopathy (CMYO). Also called: Cardiomyopathies. Identifiers: Orphanet 167848, MedGen C0878544, MONDO:0004994, HP:0001638. Inheritance: Various modes of inheritance.
Hypertrophic cardiomyopathy. Also called: HYPERTROPHIC MYOCARDIOPATHY. Identifiers: Orphanet 217569, MedGen C0007194, MeSH D002312, MONDO:0005045, HP:0001639.

Allele frequency attached by ClinVar (database versions not stated): TOPMed 0.00001; gnomAD exomes below 0.00001; ExAC 0.00001.
gnomAD v4.1: 4 of 1,614,080 alleles (0.00025%); highest among the groups gnomAD compares: Non-Finnish European, 0.00034%; no homozygotes.

Submissions (6):

Labcorp Genetics (formerly Invitae), Labcorp
Classification: Uncertain significance for Dilated cardiomyopathy 1R; Hypertrophic cardiomyopathy 11; Atrial septal defect 5. Last evaluated: 2025-07-27. Review status: criteria provided, single submitter. Criteria: Invitae Variant Classification Sherloc (09022015). Collection method: clinical testing. Allele origin: germline.
Comment: This sequence change replaces isoleucine, which is neutral and non-polar, with threonine, which is neutral and polar, at codon 371 of the ACTC1 protein (p.Ile371Thr). This variant is present in population databases (rs730880407, gnomAD 0.0009%). This missense change has been observed in individual(s) with ACTC1-related conditions (PMID: 25163546; internal data). ClinVar contains an entry for this variant (Variation ID: 180774). Invitae Evidence Modeling of protein sequence and biophysical properties (such as structural, functional, and spatial information, amino acid conservation, physicochemical variation, residue mobility, and thermodynamic stability) has been performed for this missense variant. However, the output from this modeling did not meet the statistical confidence thresholds required to predict the impact of this variant on ACTC1 protein function. In summary, the available evidence is currently insufficient to determine the role of this variant in disease. Therefore, it has been classified as a Variant of Uncertain Significance.

Color Diagnostics, LLC DBA Color Health
Classification: Uncertain significance for Cardiomyopathy. Last evaluated: 2024-01-31. Review status: criteria provided, single submitter. Criteria: ACMG Guidelines, 2015. Collection method: clinical testing. Allele origin: germline.
Comment: This missense variant replaces isoleucine with threonine at codon 371 of the ACTC1 protein. Computational prediction tools indicate that this variant has a deleterious impact on protein structure and function. To our knowledge, functional studies have not been reported for this variant. This variant has been reported in at least one individual affected with dilated cardiomyopathy (PMID: 25163546). This variant has been identified in 1/251484 chromosomes in the general population by the Genome Aggregation Database (gnomAD). The available evidence is insufficient to determine the role of this variant in disease conclusively. Therefore, this variant is classified as a Variant of Uncertain Significance.

Ambry Genetics
Classification: Uncertain significance for Cardiovascular phenotype. Last evaluated: 2023-11-22. Review status: criteria provided, single submitter. Criteria: Ambry Variant Classification Scheme 2023. Collection method: clinical testing. Allele origin: germline.
Comment: The p.I371T variant (also known as c.1112T>C), located in coding exon 6 of the ACTC1 gene, results from a T to C substitution at nucleotide position 1112. The isoleucine at codon 371 is replaced by threonine, an amino acid with similar properties. This alteration has been reported in a dilated cardiomyopathy cohort, but clinical details were limited (Haas J et al. Eur. Heart J., 2015 May;36:1123-35a). This amino acid position is highly conserved in available vertebrate species. In addition, this alteration is predicted to be deleterious by in silico analysis. Since supporting evidence is limited at this time, the clinical significance of this alteration remains unclear.

All of Us Research Program, National Institutes of Health
Classification: Uncertain significance for Hypertrophic cardiomyopathy. Last evaluated: 2023-09-05. Review status: criteria provided, single submitter. Criteria: ACMG Guidelines, 2015. Collection method: clinical testing. Allele origin: germline. Inheritance: Autosomal dominant inheritance. Observed: 1 variant allele, 1 heterozygote.
Comment: This missense variant replaces isoleucine with threonine at codon 371 of the ACTC1 protein. Computational prediction suggests that this variant may have deleterious impact on protein structure and function (internally defined REVEL score threshold >= 0.7, PMID: 27666373). To our knowledge, functional studies have not been reported for this variant. This variant has been reported in an individual affected with dilated cardiomyopathy (PMID: 25163546). This variant has been identified in 1/251484 chromosomes in the general population by the Genome Aggregation Database (gnomAD). The available evidence is insufficient to determine the role of this variant in disease conclusively. Therefore, this variant is classified as a Variant of Uncertain Significance.

This study involves interpretation of variants in research participants for the purpose of population health screening. Participant phenotype was not available at the time of variant classification. Additional details can be found in publication PMID: 35346344, PMCID: PMC8962531

GeneDx
Classification: Uncertain significance. Last evaluated: 2022-09-27. Review status: criteria provided, single submitter. Criteria: GeneDx Variant Classification Process June 2021. Collection method: clinical testing. Allele origin: germline. Affected: yes.
Comment: Has been reported in an individual with DCM (Haas et al., 2015); Not observed at significant frequency in large population cohorts (gnomAD); In silico analysis supports that this missense variant does not alter protein structure/function; This variant is associated with the following publications: (PMID: 25163546)

CHEO Genetics Diagnostic Laboratory, Children's Hospital of Eastern Ontario
Classification: Uncertain significance for Cardiomyopathy. Last evaluated: 2020-12-09. Review status: criteria provided, single submitter. Criteria: ACMG Guidelines, 2015. Collection method: clinical testing. Allele origin: germline. Study: Canadian Open Genetics Repository.

Literature cited by the submitters: PubMed 25163546 (cited by 4 submitters).

NM_005159.5(ACTC1):c.1112T>C (p.Ile371Thr)

Genes: GJD2-DT (GJD2 divergent transcript; plus strand), ACTC1 (actin alpha cardiac muscle 1; minus strand). Cytogenetic location: 15q14.
Variant type: single nucleotide variant.
Coding change: c.1112T>C on transcript NM_005159.5 (MANE Select); coding-DNA position 1112, T replaced by C.
Protein change: p.Ile371Thr; replaces isoleucine 371 with threonine.
Molecular consequence: missense variant.
Genome position (GRCh38, 1-based): chr15:34,790,434, A>G on the plus strand (T>C on the coding strand, the complement: ACTC1 is on the minus strand). VCF-style: chr15-34790434-A-G. GRCh37 (hg19) VCF-style: chr15-35082635-A-G.
Other names: p.I371T:ATT>ACT; c.1112T>C (LRG_388t1); short protein forms I371T.
Identifiers: ClinVar variation 180774 (VCV000180774.17), dbSNP rs730880407, ClinGen allele CA019648.